The following is an entry in ClinVar:

NM_000070.3(CAPN3):c.1156C>T (p.Arg386Cys)

Gene: CAPN3 (calpain 3; plus strand). Cytogenetic location: 15q15.1.
Variant type: single nucleotide variant.
Coding change: c.1156C>T on transcript NM_000070.3 (MANE Select); coding-DNA position 1156, C replaced by T.
Protein change: p.Arg386Cys; replaces arginine 386 with cysteine.
Molecular consequence: missense variant.
Genome position (GRCh38, 1-based): chr15:42,396,840, C>T. VCF-style: chr15-42396840-C-T. GRCh37 (hg19) VCF-style: chr15-42689038-C-T.
Other names: c.1156C>T, p.Arg386Cys (NM_024344.2); c.1012C>T, p.Arg338Cys (NM_173087.2); short protein forms R386C, R338C.
Identifiers: ClinVar variation 557085 (VCV000557085.7), dbSNP rs919442493, ClinGen allele CA269841790.

ClinVar aggregate classification (germline): Conflicting classifications of pathogenicity. Review status: criteria provided, conflicting classifications (1 of 4 stars). 4 submissions from 4 submitters: Likely pathogenic (2); Uncertain significance (1). 1 of the submissions does not count toward it. Last evaluated 2025-10-16.

Conditions:
Muscular dystrophy, limb-girdle, autosomal dominant 4. Also called: MUSCULAR DYSTROPHY, LIMB-GIRDLE, TYPE 1I; Calpain-3-related limb-girdle muscular dystrophy D4. Identifiers: Orphanet 565909, MedGen C4748295, MONDO:0029133, OMIM 618129.
Autosomal recessive limb-girdle muscular dystrophy type 2A (LGMDR1). Also called: Muscular dystrophy, limb-girdle, type 2A, Amish; LEYDEN-MOEBIUS MUSCULAR DYSTROPHY; MUSCULAR DYSTROPHY, PELVOFEMORAL; Limb-girdle muscular dystrophy, type 2A; Calpainopathy. Identifiers: Orphanet 267, MedGen C1869123, MONDO:0009675, OMIM 253600. Disease mechanism: loss of function.

Allele frequency attached by ClinVar (database versions not stated): gnomAD exomes below 0.00001; gnomAD 0.00003; TOPMed 0.00003.
gnomAD v4.1: 9 of 1,613,854 alleles (0.00056%); highest among the groups gnomAD compares: African/African-American, 0.004%; no homozygotes.

Submissions (4):

Natera, Inc.
Classification: Likely pathogenic for Limb-girdle muscular dystrophy type 2A. Last evaluated: 2025-10-16. Review status: criteria provided, single submitter. Criteria: Natera Variant Classification Schema (03/2026). Collection method: clinical testing. Allele origin: germline.
Comment: The c.1156C>T variant in CAPN3 is a missense variant predicted to cause substitution of arginine to cysteine at amino acid 386. This variant is rare in the general population with a frequency below the threshold expected for the associated phenotype(s). This variant has been observed in one or more individuals affected with the associated recessive disease, as either homozygous or compound heterozygous with a second variant (PMID: 15689361). This variant has been identified in one or more affected individuals with a phenotype highly consistent with the associated gene (PMID:15689361). Computational prediction algorithms indicate this variant is likely to affect gene or protein function. Given the available evidence, this variant is classified as Likely Pathogenic.

Labcorp Genetics (formerly Invitae), Labcorp
Classification: Uncertain significance for Autosomal recessive limb-girdle muscular dystrophy type 2A. Last evaluated: 2025-06-04. Review status: criteria provided, single submitter. Criteria: Invitae Variant Classification Sherloc (09022015). Collection method: clinical testing. Allele origin: germline.
Comment: This sequence change replaces arginine, which is basic and polar, with cysteine, which is neutral and slightly polar, at codon 386 of the CAPN3 protein (p.Arg386Cys). This variant is present in population databases (no rsID available, gnomAD 0.008%). This missense change has been observed in individual(s) with clinical features of autosomal recessive CAPN3-related conditions (PMID: 15689361, 32528171; internal data). ClinVar contains an entry for this variant (Variation ID: 557085). Invitae Evidence Modeling of protein sequence and biophysical properties (such as structural, functional, and spatial information, amino acid conservation, physicochemical variation, residue mobility, and thermodynamic stability) indicates that this missense variant is not expected to disrupt CAPN3 protein function with a negative predictive value of 80%. In summary, the available evidence is currently insufficient to determine the role of this variant in disease. Therefore, it has been classified as a Variant of Uncertain Significance.

Baylor Genetics
Classification: Likely pathogenic for Muscular dystrophy, limb-girdle, autosomal dominant 4. Last evaluated: 2024-03-04. Review status: criteria provided, single submitter. Criteria: ACMG Guidelines, 2015. Collection method: clinical testing. Allele origin: unknown.

Counsyl
Classification: Uncertain significance for Autosomal recessive limb-girdle muscular dystrophy type 2A. Last evaluated: 2018-03-07. Review status: no assertion criteria provided. Collection method: clinical testing. Allele origin: unknown. Not counted in ClinVar's aggregate classification.

Literature cited by the submitters: PubMed 15689361 (cited by 3 submitters); PubMed 32528171 (cited by Labcorp Genetics (formerly Invitae), Labcorp).